The following is an entry in ClinVar:

NR_003051.4(RMRP):n.156_172dup

Gene: RMRP (RNA component of mitochondrial RNA processing endoribonuclease; minus strand). Cytogenetic location: 9p13.3.
Variant type: Duplication.
Genome position: GRCh38 VCF-style: chr9-35657843-C-CACGCCGCTCAGCGGGAT. GRCh37 (hg19) VCF-style: chr9-35657840-C-CACGCCGCTCAGCGGGAT.
Identifiers: ClinVar variation 641903 (VCV000641903.4), dbSNP rs1587918082, ClinGen allele CA915947437.

ClinVar aggregate classification (germline): Uncertain significance. Review status: criteria provided, single submitter (1 of 4 stars). 2 submissions from 2 submitters: Uncertain significance (1). 1 of the submissions does not count toward it. Last evaluated 2021-08-31.

Conditions:
Anauxetic dysplasia. Identifiers: Orphanet 93347, MedGen C1846796, MONDO:0011773.
Metaphyseal chondrodysplasia, McKusick type (CHH). Also called: Cartilage-hair hypoplasia; Cartilage-Hair Hypoplasia (CHH). Identifiers: Orphanet 175, MedGen C0220748, MONDO:0009595, OMIM 250250.

Submissions (2):

Labcorp Genetics (formerly Invitae), Labcorp
Classification: Uncertain significance for Anauxetic dysplasia. Last evaluated: 2021-08-31. Review status: criteria provided, single submitter. Criteria: Invitae Variant Classification Sherloc (09022015). Collection method: clinical testing. Allele origin: germline.
Comment: This variant occurs in the RMRP gene, which encodes an RNA molecule that does not result in a protein product. The frequency data for this variant in the population databases is considered unreliable, as metrics indicate insufficient coverage at this position in the ExAC database. This variant has not been reported in the literature in individuals affected with RMRP-related conditions. Experimental studies and prediction algorithms are not available or were not evaluated, and the functional significance of this variant is currently unknown. In summary, the available evidence is currently insufficient to determine the role of this variant in disease. Therefore, it has been classified as a Variant of Uncertain Significance.

Natera, Inc.
Classification: Uncertain significance for Cartilage-hair hypoplasia. Last evaluated: 2020-03-13. Review status: no assertion criteria provided. Collection method: clinical testing. Allele origin: germline. Not counted in ClinVar's aggregate classification.